The following is an entry in ClinVar:

NM_001282874.2(SMARCA1):c.1981G>A (p.Ala661Thr)

Gene: SMARCA1 (SNF2 related chromatin remodeling ATPase 1; minus strand). Cytogenetic location: Xq25.
Variant type: single nucleotide variant.
Coding change: c.1981G>A on transcript NM_001282874.2 (MANE Select); coding-DNA position 1981, G replaced by A.
Protein change: p.Ala661Thr; replaces alanine 661 with threonine.
Molecular consequence: missense variant.
Genome position (GRCh38, 1-based): chrX:129,489,053, C>T on the plus strand (G>A on the coding strand, the complement: SMARCA1 is on the minus strand). VCF-style: chrX-129489053-C-T. GRCh37 (hg19) VCF-style: chrX-128623030-C-T.
Other names: c.1945G>A, p.Ala649Thr (NM_001282875.2, NM_001378262.1, NM_001378263.1 and 1 more transcripts); c.1981G>A, p.Ala661Thr (NM_001378261.1, NM_003069.5); short protein forms A649T, A661T.
Identifiers: ClinVar variation 3899551 (VCV003899551.1).

ClinVar aggregate classification (germline): Uncertain significance (1 of 4 stars; one submission).

Submission:

GeneDx
Classification: Uncertain significance. Last evaluated: 2024-09-30. Review status: criteria provided, single submitter. Criteria: GeneDx Variant Classification Process June 2021. Collection method: clinical testing. Allele origin: germline. Affected: yes.
Comment: Not observed at significant frequency in large population cohorts (gnomAD); In silico analysis supports that this missense variant has a deleterious effect on protein structure/function; Has not been previously published as pathogenic or benign to our knowledge; Variants in candidate genes are classified as variants of uncertain significance in accordance with ACMG guidelines (PMID: 25741868)